The following is an entry in ClinVar:

ClinVar aggregate classification (germline): Likely benign (1 of 4 stars; one submission).

Conditions:
CEP290-related disorder. Also called: CEP290-related condition; CEP290-related disorders. Identifiers: MedGen CN239314.

Submission:

PreventionGenetics, part of Exact Sciences
Classification: Likely benign for CEP290-related condition. Last evaluated: 2026-09-11. Review status: criteria provided, single submitter. Criteria: ACMG Guidelines, 2015. Collection method: clinical testing. Allele origin: germline.
Comment: This variant is classified as likely benign based on ACMG/AMP sequence variant interpretation guidelines (Richards et al. 2015 PMID: 25741868, with internal and published modifications).

NM_025114.4(CEP290):c.4212A>G (p.Gln1404=)

Gene: CEP290 (centrosomal protein 290; minus strand). Cytogenetic location: 12q21.32.
Variant type: single nucleotide variant.
Coding change: c.4212A>G on transcript NM_025114.4 (MANE Select); coding-DNA position 4212, A replaced by G.
Protein change: p.Gln1404=; no amino-acid change (glutamine 1404 retained).
Molecular consequence: synonymous variant.
Genome position (GRCh38, 1-based): chr12:88,086,481, T>C on the plus strand (A>G on the coding strand, the complement: CEP290 is on the minus strand). VCF-style: chr12-88086481-T-C. GRCh37 (hg19) VCF-style: chr12-88480258-T-C.
Identifiers: ClinVar variation 4990940 (VCV004990940.1).